The following is an entry in ClinVar:

ClinVar aggregate classification (germline): Uncertain significance (1 of 4 stars; one submission).

Conditions:
Hereditary cancer-predisposing syndrome. Also called: Neoplastic Syndromes, Hereditary; Hereditary Cancer Syndrome; Hereditary neoplastic syndrome; Tumor predisposition. Identifiers: Orphanet 140162, MedGen C0027672, MeSH D009386, MONDO:0015356.

Submission:

Ambry Genetics
Classification: Uncertain significance for Hereditary cancer-predisposing syndrome. Last evaluated: 2023-05-26. Review status: criteria provided, single submitter. Criteria: Ambry Variant Classification Scheme 2023. Collection method: clinical testing. Allele origin: germline.
Comment: The p.A278V variant (also known as c.833C>T), located in coding exon 8 of the SDHB gene, results from a C to T substitution at nucleotide position 833. The alanine at codon 278 is replaced by valine, an amino acid with similar properties. This amino acid position is conserved. In addition, the in silico prediction for this alteration is inconclusive. Since supporting evidence is limited at this time, the clinical significance of this alteration remains unclear.

NM_003000.3(SDHB):c.833C>T (p.Ala278Val)

Gene: SDHB (succinate dehydrogenase complex iron sulfur subunit B; minus strand). Cytogenetic location: 1p36.13.
Variant type: single nucleotide variant.
Coding change: c.833C>T on transcript NM_003000.3 (MANE Select); coding-DNA position 833, C replaced by T.
Protein change: p.Ala278Val; replaces alanine 278 with valine.
Molecular consequence: missense variant.
Genome position (GRCh38, 1-based): chr1:17,018,891, G>A on the plus strand (C>T on the coding strand, the complement: SDHB is on the minus strand). VCF-style: chr1-17018891-G-A. GRCh37 (hg19) VCF-style: chr1-17345386-G-A.
Other names: c.779C>T, p.Ala260Val (NM_001407361.1); short protein forms A260V, A278V.
Identifiers: ClinVar variation 2562720 (VCV002562720.2), dbSNP rs2524994801, ClinGen allele CA338268664.